The following is an entry in ClinVar:

NM_181741.4(ORC4):c.317A>G (p.Asn106Ser)

Gene: ORC4 (origin recognition complex subunit 4; minus strand). Cytogenetic location: 2q23.1.
Variant type: single nucleotide variant.
Coding change: c.317A>G on transcript NM_181741.4 (MANE Select); coding-DNA position 317, A replaced by G.
Protein change: p.Asn106Ser; replaces asparagine 106 with serine.
Molecular consequence: missense variant.
Genome position (GRCh38, 1-based): chr2:147,958,368, T>C on the plus strand (A>G on the coding strand, the complement: ORC4 is on the minus strand). VCF-style: chr2-147958368-T-C. GRCh37 (hg19) VCF-style: chr2-148715937-T-C.
Other names: c.317A>G, p.Asn106Ser (NM_001190879.3, NM_001374270.1, NM_002552.5 and 1 more transcripts); c.65A>G, p.Asn22Ser (NM_001190881.3, NM_001374272.1); c.95A>G, p.Asn32Ser (NM_001190882.3); short protein forms N106S, N22S, N32S.
Identifiers: ClinVar variation 1911309 (VCV001911309.5), dbSNP rs753213610, ClinGen allele CA1899650.

ClinVar aggregate classification (germline): Uncertain significance. Review status: criteria provided, multiple submitters, no conflicts (2 of 4 stars). 2 submissions from 2 submitters: Uncertain significance (2). Last evaluated 2025-11-08.

Conditions:
Inborn genetic diseases. Identifiers: MedGen C0950123, MeSH D030342.

Allele frequency attached by ClinVar (database versions not stated): gnomAD exomes 0.00001; ExAC 0.00002; TOPMed 0.00002.
gnomAD v4.1: 18 of 1,611,640 alleles (0.0011%); highest among the groups gnomAD compares: Admixed American, 0.0033%; no homozygotes.

Submissions (2):

Ambry Genetics
Classification: Uncertain significance for Inborn genetic diseases. Last evaluated: 2025-11-08. Review status: criteria provided, single submitter. Criteria: Ambry Variant Classification Scheme 2023. Collection method: clinical testing. Allele origin: germline.

Labcorp Genetics (formerly Invitae), Labcorp
Classification: Uncertain significance. Last evaluated: 2025-08-11. Review status: criteria provided, single submitter. Criteria: Invitae Variant Classification Sherloc (09022015). Collection method: clinical testing. Allele origin: germline.
Comment: This sequence change replaces asparagine, which is neutral and polar, with serine, which is neutral and polar, at codon 106 of the ORC4 protein (p.Asn106Ser). This variant is present in population databases (rs753213610, gnomAD 0.006%). This variant has not been reported in the literature in individuals affected with ORC4-related conditions. ClinVar contains an entry for this variant (Variation ID: 1911309). Invitae Evidence Modeling of protein sequence and biophysical properties (such as structural, functional, and spatial information, amino acid conservation, physicochemical variation, residue mobility, and thermodynamic stability) indicates that this missense variant is not expected to disrupt ORC4 protein function with a negative predictive value of 80%. In summary, the available evidence is currently insufficient to determine the role of this variant in disease. Therefore, it has been classified as a Variant of Uncertain Significance.